The following is an entry in ClinVar:

ClinVar aggregate classification (germline): Conflicting classifications of pathogenicity. Review status: criteria provided, conflicting classifications (1 of 4 stars). 3 submissions from 3 submitters: Uncertain significance (1); Likely benign (2). Last evaluated 2025-05-27.

Allele frequency attached by ClinVar (database versions not stated): gnomAD 0.00007; TOPMed 0.00007; ESP Exome Variant Server 0.00008; ExAC 0.00010; gnomAD exomes 0.00016.
gnomAD v4.1: 243 of 1,614,046 alleles (0.015%); highest among the groups gnomAD compares: Middle Eastern, 0.066%; 2 homozygotes.

Submissions (3):

Labcorp Genetics (formerly Invitae), Labcorp
Classification: Uncertain significance. Last evaluated: 2025-05-27. Review status: criteria provided, single submitter. Criteria: Invitae Variant Classification Sherloc (09022015). Collection method: clinical testing. Allele origin: germline.
Comment: This sequence change replaces isoleucine, which is neutral and non-polar, with valine, which is neutral and non-polar, at codon 687 of the FAT2 protein (p.Ile687Val). This variant is present in population databases (rs150891608, gnomAD 0.02%). This variant has not been reported in the literature in individuals affected with FAT2-related conditions. ClinVar contains an entry for this variant (Variation ID: 2062613). Invitae Evidence Modeling of protein sequence and biophysical properties (such as structural, functional, and spatial information, amino acid conservation, physicochemical variation, residue mobility, and thermodynamic stability) indicates that this missense variant is not expected to disrupt FAT2 protein function with a negative predictive value of 80%. In summary, the available evidence is currently insufficient to determine the role of this variant in disease. Therefore, it has been classified as a Variant of Uncertain Significance.

Ambry Genetics
Classification: Likely benign. Last evaluated: 2024-04-06. Review status: criteria provided, single submitter. Criteria: Ambry Variant Classification Scheme 2023. Collection method: clinical testing. Allele origin: germline.

CeGaT Center for Human Genetics Tuebingen
Classification: Likely benign. Last evaluated: 2022-04-01. Review status: criteria provided, single submitter. Criteria: CeGaT Center For Human Genetics Tuebingen Variant Classification Criteria Version 2. Collection method: clinical testing. Allele origin: germline. Affected: yes. Observed: 1 variant allele.
Comment: FAT2: BP4

NM_001447.3(FAT2):c.2059A>G (p.Ile687Val)

Gene: FAT2 (FAT atypical cadherin 2; minus strand). Cytogenetic location: 5q33.1.
Variant type: single nucleotide variant.
Coding change: c.2059A>G on transcript NM_001447.3 (MANE Select); coding-DNA position 2059, A replaced by G.
Protein change: p.Ile687Val; replaces isoleucine 687 with valine.
Molecular consequence: missense variant.
Genome position (GRCh38, 1-based): chr5:151,566,873, T>C on the plus strand (A>G on the coding strand, the complement: FAT2 is on the minus strand). VCF-style: chr5-151566873-T-C. GRCh37 (hg19) VCF-style: chr5-150946434-T-C.
Other names: c.2059A>G (NM_001447.2); short protein forms I687V.
Identifiers: ClinVar variation 2062613 (VCV002062613.29), dbSNP rs150891608, ClinGen allele CA3522144.